The following is an entry in ClinVar:

NM_001849.4(COL6A2):c.2098G>A (p.Gly700Ser)

Gene: COL6A2 (collagen type VI alpha 2 chain; plus strand). Cytogenetic location: 21q22.3.
Variant type: single nucleotide variant.
Coding change: c.2098G>A on transcript NM_001849.4 (MANE Select); coding-DNA position 2098, G replaced by A.
Protein change: p.Gly700Ser; replaces glycine 700 with serine.
Molecular consequence: missense variant.
Genome position (GRCh38, 1-based): chr21:46,125,913, G>A. VCF-style: chr21-46125913-G-A. GRCh37 (hg19) VCF-style: chr21-47545827-G-A.
Other names: c.2098G>A, p.Gly700Ser (NM_058174.3, NM_058175.3); short protein forms G700S.
Identifiers: ClinVar variation 195954 (VCV000195954.14), dbSNP rs794727418, ClinGen allele CA242678.

ClinVar aggregate classification (germline): Conflicting classifications of pathogenicity. Review status: criteria provided, conflicting classifications (1 of 4 stars). 3 submissions from 3 submitters: Pathogenic (1); Likely pathogenic (1); Uncertain significance (1). Last evaluated 2025-07-05.

Conditions:
COL6A2-related disorder.
Bethlem myopathy 1A. Also called: Bethlem myopathy 1; MYOPATHY, BENIGN CONGENITAL, WITH CONTRACTURES; Bethlem Muscular Dystrophy. Identifiers: Orphanet 610, MedGen CN029274, MONDO:0024530, OMIM 158810.

Allele frequency attached by ClinVar (database versions not stated): gnomAD exomes below 0.00001.
gnomAD v4.1: 6 of 1,613,094 alleles (0.00037%); highest among the groups gnomAD compares: Middle Eastern, 0.016%; no homozygotes.

Submissions (3):

Labcorp Genetics (formerly Invitae), Labcorp
Classification: Pathogenic for Bethlem myopathy 1A. Last evaluated: 2025-07-05. Review status: criteria provided, single submitter. Criteria: Invitae Variant Classification Sherloc (09022015). Collection method: clinical testing. Allele origin: germline.
Comment: This sequence change replaces glycine, which is neutral and non-polar, with serine, which is neutral and polar, at codon 700 of the COL6A2 protein (p.Gly700Ser). This variant is present in population databases (rs794727418, gnomAD 0.007%). This missense change has been observed in individuals with clinical features of autosomal dominant type VI collagenopathies (PMID: 15689448, 32528171; internal data). It has also been observed to segregate with disease in related individuals. ClinVar contains an entry for this variant (Variation ID: 195954). Invitae Evidence Modeling of protein sequence and biophysical properties (such as structural, functional, and spatial information, amino acid conservation, physicochemical variation, residue mobility, and thermodynamic stability) indicates that this missense variant is expected to disrupt COL6A2 protein function with a positive predictive value of 80%. For these reasons, this variant has been classified as Pathogenic.

Blueprint Genetics
Classification: Likely pathogenic for COL6A2-related disorders. Last evaluated: 2023-02-13. Review status: criteria provided, single submitter. Criteria: ACMG Guidelines, 2015. Collection method: clinical testing. Allele origin: germline. Affected: yes. Observed: 1 variant allele.

Eurofins Ntd Llc (ga)
Classification: Uncertain significance. Last evaluated: 2018-02-13. Review status: criteria provided, single submitter. Criteria: EGL ClinVar v180209 classification definitions. Collection method: clinical testing. Allele origin: germline. Observed: 3 variant alleles, 3 heterozygotes.

Literature cited by the submitters: PubMed 15689448 (cited by Labcorp Genetics (formerly Invitae), Labcorp); PubMed 32528171 (cited by Labcorp Genetics (formerly Invitae), Labcorp).